The following is an entry in ClinVar:

NM_021975.4(RELA):c.1154A>G (p.Gln385Arg)

Gene: RELA (RELA proto-oncogene, NF-kB subunit; minus strand). Cytogenetic location: 11q13.1.
Variant type: single nucleotide variant.
Coding change: c.1154A>G on transcript NM_021975.4 (MANE Select); coding-DNA position 1154, A replaced by G.
Protein change: p.Gln385Arg; replaces glutamine 385 with arginine.
Molecular consequence: missense variant. On other transcripts: intron variant (1).
Genome position (GRCh38, 1-based): chr11:65,654,880, T>C on the plus strand (A>G on the coding strand, the complement: RELA is on the minus strand). VCF-style: chr11-65654880-T-C. GRCh37 (hg19) VCF-style: chr11-65422351-T-C.
Other names: c.1145A>G, p.Gln382Arg (NM_001145138.2); c.1154A>G, p.Gln385Arg (NM_001243985.2); c.1187A>G, p.Gln396Arg (NM_001404657.1); c.1127A>G, p.Gln376Arg (NM_001404658.1); c.941A>G, p.Gln314Arg (NM_001404659.1); c.836A>G, p.Gln279Arg (NM_001404660.1); c.773A>G, p.Gln258Arg (NM_001404661.1); c.1061A>G, p.Gln354Arg (NM_001404662.1, NM_001404663.1); and 1 more; short protein forms Q382R, Q396R, Q258R, Q279R, Q314R, Q354R, Q376R, Q385R.
Identifiers: ClinVar variation 1905889 (VCV001905889.5), dbSNP rs779659272, ClinGen allele CA6106638.
Genomic context (GRCh38, chr11:65,654,880, plus strand): 5'-TGGGCCAGAGCTGATACCATGGCTGGAGCAGGGGCAGGGGCTGGAGCCTGGGGCAGGACT[T>C]GGGGAGGGGCCGGGGCCAAGGCCGAGGCCTGGCTGATCTGCCCAGAAGGAAACACCATGG-3'
Protein context (NP_068810.3, residues 375-395): QASALAPAPP[Gln385Arg]VLPQAPAPAP

ClinVar aggregate classification (germline): Uncertain significance (1 of 4 stars; one submission).

Allele frequency attached by ClinVar (database versions not stated): gnomAD exomes below 0.00001; TOPMed 0.00002.
gnomAD v4.1: 4 of 1,575,694 alleles (0.00025%); highest among the groups gnomAD compares: Non-Finnish European, 0.00035%; no homozygotes.

Submission:

Labcorp Genetics (formerly Invitae), Labcorp
Classification: Uncertain significance. Last evaluated: 2022-06-05. Review status: criteria provided, single submitter. Criteria: Invitae Variant Classification Sherloc (09022015). Collection method: clinical testing. Allele origin: germline.
Comment: This sequence change replaces glutamine, which is neutral and polar, with arginine, which is basic and polar, at codon 385 of the RELA protein (p.Gln385Arg). The frequency data for this variant in the population databases is considered unreliable, as metrics indicate poor data quality at this position in the gnomAD database. This variant has not been reported in the literature in individuals affected with RELA-related conditions. Algorithms developed to predict the effect of missense changes on protein structure and function (SIFT, PolyPhen-2, Align-GVGD) all suggest that this variant is likely to be tolerated. In summary, the available evidence is currently insufficient to determine the role of this variant in disease. Therefore, it has been classified as a Variant of Uncertain Significance.